The following is an entry in ClinVar:

ClinVar aggregate classification (germline): Uncertain significance (1 of 4 stars; one submission).

Conditions:
Hereditary spastic paraplegia 11. Also called: SPASTIC PARAPLEGIA, AUTOSOMAL RECESSIVE, COMPLICATED, WITH THIN CORPUS CALLOSUM; SPASTIC PARAPLEGIA, AUTOSOMAL RECESSIVE, WITH MENTAL IMPAIRMENT AND THIN CORPUS CALLOSUM; Spastic Paraplegia 11; Nakamura Osame syndrome; Autosomal recessive hereditary spastic paraplegia, mental impairment, and thin corpus callosum; Spastic paraplegia, mental retardation and thin corpus callosum. Identifiers: Orphanet 2822, MedGen C1858479, MONDO:0011445, OMIM 604360.

Allele frequency attached by ClinVar (database versions not stated): gnomAD exomes below 0.00001.
gnomAD v4.1: 2 of 1,613,590 alleles (0.00012%); highest among the groups gnomAD compares: Non-Finnish European, 0.00017%; no homozygotes.

Submission:

Labcorp Genetics (formerly Invitae), Labcorp
Classification: Uncertain significance for Hereditary spastic paraplegia 11. Last evaluated: 2023-08-24. Review status: criteria provided, single submitter. Criteria: Invitae Variant Classification Sherloc (09022015). Collection method: clinical testing. Allele origin: germline.
Comment: This variant has not been reported in the literature in individuals affected with SPG11-related conditions. This sequence change replaces glutamine, which is neutral and polar, with arginine, which is basic and polar, at codon 1329 of the SPG11 protein (p.Gln1329Arg). This variant is not present in population databases (gnomAD no frequency). ClinVar contains an entry for this variant (Variation ID: 1360767). Advanced modeling of protein sequence and biophysical properties (such as structural, functional, and spatial information, amino acid conservation, physicochemical variation, residue mobility, and thermodynamic stability) performed at Invitae indicates that this missense variant is not expected to disrupt SPG11 protein function. In summary, the available evidence is currently insufficient to determine the role of this variant in disease. Therefore, it has been classified as a Variant of Uncertain Significance.

NM_025137.4(SPG11):c.3986A>G (p.Gln1329Arg)

Gene: SPG11 (SPG11 vesicle trafficking associated, spatacsin; minus strand). Cytogenetic location: 15q21.1.
Variant type: single nucleotide variant.
Coding change: c.3986A>G on transcript NM_025137.4 (MANE Select); coding-DNA position 3986, A replaced by G.
Protein change: p.Gln1329Arg; replaces glutamine 1329 with arginine.
Molecular consequence: missense variant.
Genome position (GRCh38, 1-based): chr15:44,598,280, T>C on the plus strand (A>G on the coding strand, the complement: SPG11 is on the minus strand). VCF-style: chr15-44598280-T-C. GRCh37 (hg19) VCF-style: chr15-44890478-T-C.
Other names: c.3986A>G, p.Gln1329Arg (NM_001160227.2); short protein forms Q1329R.
Identifiers: ClinVar variation 1360767 (VCV001360767.8), dbSNP rs2140976920, ClinGen allele CA392229697.
Genomic context (GRCh38, chr15:44,598,280, plus strand): 5'-ACAATAAGCTTGTTAGAAAAGAGGCTGAGACTGCAACTCACAAACCTCTTTATTTCCTGT[T>C]GCTGAATGCTGTTCCATGTACCTTCTTCTAAGAGAACAAGCAATTCTTCTGTGGTTGTCT-3'
Protein context (NP_079413.3, residues 1319-1339): LEEGTWNSIQ[Gln1329Arg]QEIKRLSSES